The following is an entry in ClinVar:

ClinVar aggregate classification (germline): Uncertain significance (1 of 4 stars; one submission).

Allele frequency attached by ClinVar (database versions not stated): ExAC 0.00001; gnomAD 0.00002.

Submission:

Labcorp Genetics (formerly Invitae), Labcorp
Classification: Uncertain significance. Last evaluated: 2024-06-14. Review status: criteria provided, single submitter. Criteria: Invitae Variant Classification Sherloc (09022015). Collection method: clinical testing. Allele origin: germline.
Comment: This sequence change replaces proline, which is neutral and non-polar, with leucine, which is neutral and non-polar, at codon 823 of the ITGAM protein (p.Pro823Leu). This variant is present in population databases (rs746481763, gnomAD 0.007%). This variant has not been reported in the literature in individuals affected with ITGAM-related conditions. An algorithm developed to predict the effect of missense changes on protein structure and function (PolyPhen-2) suggests that this variant is likely to be disruptive. In summary, the available evidence is currently insufficient to determine the role of this variant in disease. Therefore, it has been classified as a Variant of Uncertain Significance.

NM_000632.4(ITGAM):c.2468C>T (p.Pro823Leu)

Gene: ITGAM (integrin subunit alpha M; plus strand). Cytogenetic location: 16p11.2.
Variant type: single nucleotide variant.
Coding change: c.2468C>T on transcript NM_000632.4 (MANE Select); coding-DNA position 2468, C replaced by T.
Protein change: p.Pro823Leu; replaces proline 823 with leucine.
Molecular consequence: missense variant.
Genome position (GRCh38, 1-based): chr16:31,325,367, C>T. VCF-style: chr16-31325367-C-T. GRCh37 (hg19) VCF-style: chr16-31336688-C-T.
Other names: c.2471C>T, p.Pro824Leu (NM_001145808.2); short protein forms P823L, P824L.
Identifiers: ClinVar variation 2867486 (VCV002867486.3), dbSNP rs746481763, ClinGen allele CA8025828.